The following is an entry in ClinVar:

NM_000518.5(HBB):c.348_349delinsG (p.His117fs)

Genes: HBB (hemoglobin subunit beta; minus strand), LOC107133510 (origin of replication at HBB; plus strand), LOC110006319 (beta-globin gene 3' regulatory region; plus strand). Cytogenetic location: 11p15.4.
Variant type: Indel.
Coding change: c.348_349delinsG on transcript NM_000518.5 (MANE Select); coding-DNA positions 348 to 349, CC replaced by G.
Protein change: p.His117fs; shifts the reading frame from histidine 117.
Molecular consequence: frameshift variant.
Genome position (GRCh38, 1-based): chr11:5,225,693-5,225,694, GG replaced by C on the plus strand (CC replaced by G on the coding strand, the reverse complement: HBB is on the minus strand). VCF-style: chr11-5225693-GG-C. GRCh37 (hg19) VCF-style: chr11-5246923-GG-C.
Other names: short protein forms H117fs.
Identifiers: ClinVar variation 3769274 (VCV003769274.2).

ClinVar aggregate classification (germline): Likely pathogenic (1 of 4 stars; one submission).

Conditions:
beta Thalassemia (BTHAL). Also called: Cooley's anemia; Erythroblastic anemia; Mediterranean anemia. Identifiers: Orphanet 848, MedGen C0005283, MONDO:0019402. Disease mechanism: loss of function.

Submission:

Women's Health and Genetics/Laboratory Corporation of America, LabCorp
Classification: Likely pathogenic for beta Thalassemia. Last evaluated: 2025-01-06. Review status: criteria provided, single submitter. Criteria: LabCorp Variant Classification Summary - May 2015. Collection method: clinical testing. Allele origin: germline.
Comment: Variant summary: HBB c.348_349delinsG (p.His117IlefsX42) causes a frameshift which results in an extension of the protein. The variant was absent in 1614046 control chromosomes. c.348_349delinsG has been reported in the literature in individuals affected with Haemoglobinopathy (example: Kent_2014). These data indicate that the variant may be associated with disease. To our knowledge, no experimental evidence demonstrating an impact on protein function has been reported. The following publication has been ascertained in the context of this evaluation (PMID: 24432801). No submitters have cited clinical-significance assessments for this variant to ClinVar. Based on the evidence outlined above, the variant was classified as likely pathogenic.

Literature cited by the submitters: PubMed 24432801.